The following is an entry in ClinVar:

NM_002495.4(NDUFS4):c.202_203delinsG (p.Pro68fs)

Gene: NDUFS4 (NADH:ubiquinone oxidoreductase subunit S4; plus strand). Cytogenetic location: 5q11.2.
Variant type: Indel.
Coding change: c.202_203delinsG on transcript NM_002495.4 (MANE Select); coding-DNA positions 202 to 203, CC replaced by G.
Protein change: p.Pro68fs; shifts the reading frame from proline 68.
Molecular consequence: frameshift variant. On other transcripts: non-coding transcript variant (3).
Genome position (GRCh38, 1-based): chr5:53,646,257-53,646,258, CC replaced by G. VCF-style: chr5-53646257-CC-G. GRCh37 (hg19) VCF-style: chr5-52942087-CC-G.
Other names: c.202_203delinsG, p.Pro68fs (NM_001318051.2); short protein forms P68fs.
Identifiers: ClinVar variation 5010520 (VCV005010520.1).

ClinVar aggregate classification (germline): Pathogenic (1 of 4 stars; one submission).

Conditions:
Mitochondrial complex I deficiency, nuclear type 1. Also called: NADH-COENZYME Q REDUCTASE DEFICIENCY; MITOCHONDRIAL NADH DEHYDROGENASE COMPONENT OF COMPLEX I, DEFICIENCY OF. Identifiers: MedGen C6022305, MONDO:0100224, OMIM 252010.

Submission:

Myriad Genetics, Inc.
Classification: Pathogenic for Mitochondrial complex I deficiency, nuclear type 1. Last evaluated: 2024-05-14. Review status: criteria provided, single submitter. Criteria: Myriad Autosomal Dominant, Autosomal Recessive and X-Linked Classification Criteria (2023). Collection method: clinical testing. Allele origin: unknown.
Comment: NM_002495.2(NDUFS4):c.202_203delCCinsG(P68Efs*5) is expected to be pathogenic in the context of mitochondrial complex I deficiency, NDUFS4-related. This variant is predicted to lead to an abnormal or absent protein product due to the creation of a premature termination codon in NDUFS4, a gene where loss-of-function variants are known to be pathogenic. Please note: this variant was assessed in the context of healthy population screening.